The following is an entry in ClinVar:

NM_000293.3(PHKB):c.1031A>T (p.Asp344Val)

Gene: PHKB (phosphorylase kinase regulatory subunit beta; plus strand). Cytogenetic location: 16q12.1.
Variant type: single nucleotide variant.
Coding change: c.1031A>T on transcript NM_000293.3 (MANE Select); coding-DNA position 1031, A replaced by T.
Protein change: p.Asp344Val; replaces aspartic acid 344 with valine.
Molecular consequence: missense variant.
Genome position (GRCh38, 1-based): chr16:47,589,065, A>T. VCF-style: chr16-47589065-A-T. GRCh37 (hg19) VCF-style: chr16-47622976-A-T.
Other names: c.1010A>T, p.Asp337Val (NM_001031835.3); c.1031A>T, p.Asp344Val (NM_001363837.1); short protein forms D337V, D344V.
Identifiers: ClinVar variation 2068763 (VCV002068763.3), dbSNP rs375710008, ClinGen allele CA8040672.

ClinVar aggregate classification (germline): Uncertain significance. Review status: criteria provided, multiple submitters, no conflicts (2 of 4 stars). 2 submissions from 2 submitters: Uncertain significance (2). Last evaluated 2025-11-26.

Conditions:
Inborn genetic diseases. Identifiers: MedGen C0950123, MeSH D030342.
Glycogen storage disease IXb (GSD9B). Also called: PHOSPHORYLASE KINASE DEFICIENCY OF LIVER AND MUSCLE, AUTOSOMAL RECESSIVE; GLYCOGENOSIS OF LIVER AND MUSCLE, AUTOSOMAL RECESSIVE; GSD IXb. Identifiers: Orphanet 79240, MedGen C0543514, MONDO:0009868, OMIM 261750.

Allele frequency attached by ClinVar (database versions not stated): ExAC 0.00003; gnomAD exomes 0.00003; ESP Exome Variant Server 0.00015.
gnomAD v4.1: 44 of 1,613,340 alleles (0.0027%); highest among the groups gnomAD compares: Middle Eastern, 0.016%; no homozygotes.

Submissions (2):

Ambry Genetics
Classification: Uncertain significance for Inborn genetic diseases. Last evaluated: 2025-11-26. Review status: criteria provided, single submitter. Criteria: Ambry Variant Classification Scheme 2023. Collection method: clinical testing. Allele origin: germline.

Labcorp Genetics (formerly Invitae), Labcorp
Classification: Uncertain significance for Glycogen storage disease IXb. Last evaluated: 2022-04-11. Review status: criteria provided, single submitter. Criteria: Invitae Variant Classification Sherloc (09022015). Collection method: clinical testing. Allele origin: germline.
Comment: This sequence change replaces aspartic acid, which is acidic and polar, with valine, which is neutral and non-polar, at codon 344 of the PHKB protein (p.Asp344Val). This variant is present in population databases (rs375710008, gnomAD 0.007%). This variant has not been reported in the literature in individuals affected with PHKB-related conditions. Algorithms developed to predict the effect of missense changes on protein structure and function (SIFT, PolyPhen-2, Align-GVGD) all suggest that this variant is likely to be disruptive. In summary, the available evidence is currently insufficient to determine the role of this variant in disease. Therefore, it has been classified as a Variant of Uncertain Significance.